The following is an entry in ClinVar:

NM_001005242.3(PKP2):c.2454T>G (p.Phe818Leu)

Gene: PKP2 (plakophilin 2; minus strand). Cytogenetic location: 12p11.21.
Variant type: single nucleotide variant.
Coding change: c.2454T>G on transcript NM_001005242.3 (MANE Select); coding-DNA position 2454, T replaced by G.
Protein change: p.Phe818Leu; replaces phenylalanine 818 with leucine.
Molecular consequence: missense variant.
Genome position (GRCh38, 1-based): chr12:32,792,484, A>C on the plus strand (T>G on the coding strand, the complement: PKP2 is on the minus strand). VCF-style: chr12-32792484-A-C. GRCh37 (hg19) VCF-style: chr12-32945418-A-C.
Other names: c.2586T>G, p.Phe862Leu (NM_004572.4); short protein forms F818L, F862L.
Identifiers: ClinVar variation 1017780 (VCV001017780.8), dbSNP rs1408272849, ClinGen allele CA384356796.
Genomic context (GRCh38, chr12:32,792,484, plus strand): 5'-TCAGTCTTTAAGGGAGTGGTAGGCTTTGGCAGTCCGGCTGTTGACAAAATCTGTCTTCTT[A>C]AACTGAGCCTTTGGAATAAGCAAACAGAAACGTGAAAGGTAACAAAACTGGCACACAAGA-3'
Protein context (NP_001005242.2, residues 808-828): ELHHAYKKAQ[Phe818Leu]KKTDFVNSRT

ClinVar aggregate classification (germline): Uncertain significance (1 of 4 stars; one submission).

Conditions:
Arrhythmogenic right ventricular dysplasia 9 (ARVD9). Also called: Arrhythmogenic Right Ventricular Dysplasia/Cardiomyopathy 9; ARRHYTHMOGENIC RIGHT VENTRICULAR DYSPLASIA, FAMILIAL, 9. Identifiers: MedGen C1836906, MONDO:0012180, OMIM 609040.

Allele frequency attached by ClinVar (database versions not stated): gnomAD exomes 0.00001; gnomAD 0.00002.
gnomAD v4.1: 6 of 1,613,480 alleles (0.00037%); highest among the groups gnomAD compares: Non-Finnish European, 0.00051%; no homozygotes.

Submission:

Labcorp Genetics (formerly Invitae), Labcorp
Classification: Uncertain significance for Arrhythmogenic right ventricular dysplasia 9. Last evaluated: 2022-07-19. Review status: criteria provided, single submitter. Criteria: Invitae Variant Classification Sherloc (09022015). Collection method: clinical testing. Allele origin: germline.
Comment: In summary, the available evidence is currently insufficient to determine the role of this variant in disease. Therefore, it has been classified as a Variant of Uncertain Significance. Algorithms developed to predict the effect of missense changes on protein structure and function are either unavailable or do not agree on the potential impact of this missense change (SIFT: "Deleterious"; PolyPhen-2: "Possibly Damaging"; Align-GVGD: "Class C0"). ClinVar contains an entry for this variant (Variation ID: 1017780). This variant has not been reported in the literature in individuals affected with PKP2-related conditions. This variant is present in population databases (no rsID available, gnomAD 0.02%). This sequence change replaces phenylalanine, which is neutral and non-polar, with leucine, which is neutral and non-polar, at codon 862 of the PKP2 protein (p.Phe862Leu).